The following is an entry in ClinVar:

ClinVar aggregate classification (germline): Uncertain significance. Review status: criteria provided, multiple submitters, no conflicts (2 of 4 stars). 3 submissions from 3 submitters: Uncertain significance (2). 1 of the submissions does not count toward it. Last evaluated 2026-06-29.

Conditions:
CEP290-related disorder. Also called: CEP290-related condition; CEP290-related disorders. Identifiers: MedGen CN239314.
Meckel-Gruber syndrome. Also called: DYSENCEPHALIA SPLANCHNOCYSTICA; GRUBER SYNDROME; Dysencephalia splachnocystica. Identifiers: Orphanet 564, MedGen C0265215, MONDO:0018921.
Joubert syndrome. Also called: Familial aplasia of the vermis; JOUBERT-BOLTSHAUSER SYNDROME. Identifiers: Orphanet 475, MedGen C5979921, MONDO:0018772.
Nephronophthisis. Also called: Juvenile Nephronophthisis. Identifiers: Orphanet 655, MedGen C0687120, MONDO:0019005, HP:0000090.
Leber congenital amaurosis (LCA). Also called: Leber's amaurosis. Identifiers: Orphanet 65, MedGen C0339527, MeSH D057130, MONDO:0018998.

Allele frequency attached by ClinVar (database versions not stated): gnomAD exomes below 0.00001; ExAC 0.00001; TOPMed 0.00001.
gnomAD v4.1: 3 of 1,610,586 alleles (0.00019%); highest among the groups gnomAD compares: East Asian, 0.0067%; no homozygotes.

Submissions (3):

PreventionGenetics, part of Exact Sciences
Classification: Uncertain significance for CEP290-related condition. Last evaluated: 2026-06-29. Review status: criteria provided, single submitter. Criteria: ACMG Guidelines, 2015. Collection method: clinical testing. Allele origin: germline.
Comment: The CEP290 c.3418G>A variant is predicted to result in the amino acid substitution p.Glu1140Lys. To our knowledge, this variant has not been reported in the literature. This variant is reported in 0.0056% of alleles in individuals of East Asian descent in gnomAD. At this time, the clinical significance of this variant is uncertain due to the absence of conclusive functional and genetic evidence.

Labcorp Genetics (formerly Invitae), Labcorp
Classification: Uncertain significance for Joubert syndrome; Meckel-Gruber syndrome; Nephronophthisis. Last evaluated: 2022-02-04. Review status: criteria provided, single submitter. Criteria: Invitae Variant Classification Sherloc (09022015). Collection method: clinical testing. Allele origin: germline.
Comment: This sequence change replaces glutamic acid, which is acidic and polar, with lysine, which is basic and polar, at codon 1140 of the CEP290 protein (p.Glu1140Lys). This variant is present in population databases (rs766095901, gnomAD 0.006%). This variant has not been reported in the literature in individuals affected with CEP290-related conditions. ClinVar contains an entry for this variant (Variation ID: 653681). Algorithms developed to predict the effect of missense changes on protein structure and function (SIFT, PolyPhen-2, Align-GVGD) all suggest that this variant is likely to be tolerated. In summary, the available evidence is currently insufficient to determine the role of this variant in disease. Therefore, it has been classified as a Variant of Uncertain Significance.

Natera, Inc.
Classification: Uncertain significance for Leber congenital amaurosis. Last evaluated: 2021-04-01. Review status: no assertion criteria provided. Collection method: clinical testing. Allele origin: germline. Not counted in ClinVar's aggregate classification.

NM_025114.4(CEP290):c.3418G>A (p.Glu1140Lys)

Gene: CEP290 (centrosomal protein 290; minus strand). Cytogenetic location: 12q21.32.
Variant type: single nucleotide variant.
Coding change: c.3418G>A on transcript NM_025114.4 (MANE Select); coding-DNA position 3418, G replaced by A.
Protein change: p.Glu1140Lys; replaces glutamic acid 1140 with lysine.
Molecular consequence: missense variant.
Genome position (GRCh38, 1-based): chr12:88,092,724, C>T on the plus strand (G>A on the coding strand, the complement: CEP290 is on the minus strand). VCF-style: chr12-88092724-C-T. GRCh37 (hg19) VCF-style: chr12-88486501-C-T.
Other names: short protein forms E1140K.
Identifiers: ClinVar variation 653681 (VCV000653681.8), dbSNP rs766095901, ClinGen allele CA6712147.
Genomic context (GRCh38, chr12:88,092,724, plus strand): 5'-TGCTTATATGCACTTACTTTGACACTTCAACTTTTAGTTCCATTTCATTCTTCTCTAATT[C>T]TAGAATCCGTTGCCTATCAGCATCACTTACTGCCTTGCTCACACTATCAGCTAATTCATC-3'
Protein context (NP_079390.3, residues 1130-1150): VSDADRQRIL[Glu1140Lys]LEKNEMELKV